The following is an entry in ClinVar:

NM_001114753.3(ENG):c.1270dup (p.Glu424fs)

Genes: ENG (endoglin; minus strand), LOC102723566 (uncharacterized LOC102723566; plus strand). Cytogenetic location: 9q34.11.
Variant type: Duplication.
Coding change: c.1270dup on transcript NM_001114753.3 (MANE Select); coding-DNA position 1270, one base duplicated (G; older notation c.1270dupG).
Protein change: p.Glu424fs; shifts the reading frame from glutamic acid 424.
Molecular consequence: frameshift variant.
Genome position (GRCh38, 1-based): chr9:127,819,902, C duplicated on the plus strand (G on the coding strand, the reverse complement: ENG is on the minus strand). VCF-style (leftmost placement, unchanged base first): chr9-127819901-T-TC. GRCh37 (hg19) VCF-style: chr9-130582180-T-TC.
Other names: c.1270dup, p.Glu424Glyfs (NM_000118.4); c.724dup, p.Glu242fs (NM_001278138.2); short protein forms E242fs, E424fs.
Identifiers: ClinVar variation 2027580 (VCV002027580.4), dbSNP rs2539063954, ClinGen allele CA2580079586.
Genomic context (GRCh38, chr9:127,819,901, plus strand): 5'-GGCACCTGAGGGGGCACCAACCAGGCTGGTCCTGATACCTTTTTGGCCCCAGCTCTTACC[T>TC]CATTGCTGATCATACTTGCTGACACCTGCATGCCACAGCTGGAGTAAGCACTGCGCAAGA-3'

ClinVar aggregate classification (germline): Pathogenic (1 of 4 stars; one submission).

Conditions:
Hereditary hemorrhagic telangiectasia (HHT). Also called: ORW DISEASE; Osler Weber Rendu syndrome; OSLER-RENDU-WEBER DISEASE; Osler hemorrhagic telangiectasia syndrome. Identifiers: Orphanet 774, MedGen C0039445, MONDO:0019180. Disease mechanism: loss of function.

Submission:

Labcorp Genetics (formerly Invitae), Labcorp
Classification: Pathogenic for Hereditary hemorrhagic telangiectasia. Last evaluated: 2022-08-28. Review status: criteria provided, single submitter. Criteria: Invitae Variant Classification Sherloc (09022015). Collection method: clinical testing. Allele origin: germline.
Comment: For these reasons, this variant has been classified as Pathogenic. This variant has not been reported in the literature in individuals affected with ENG-related conditions. This variant is not present in population databases (gnomAD no frequency). This sequence change creates a premature translational stop signal (p.Glu424Glyfs*77) in the ENG gene. It is expected to result in an absent or disrupted protein product. Loss-of-function variants in ENG are known to be pathogenic (PMID: 15879500).

Literature cited by the submitters: PubMed 15879500.